The following is an entry in ClinVar:

NM_000256.3(MYBPC3):c.577A>T (p.Lys193Ter)

Gene: MYBPC3 (myosin binding protein C3; minus strand). Cytogenetic location: 11p11.2.
Variant type: single nucleotide variant.
Coding change: c.577A>T on transcript NM_000256.3 (MANE Select); coding-DNA position 577, A replaced by T.
Protein change: p.Lys193Ter; replaces lysine 193 with a stop codon.
Molecular consequence: nonsense.
Genome position (GRCh38, 1-based): chr11:47,349,851, T>A on the plus strand (A>T on the coding strand, the complement: MYBPC3 is on the minus strand). VCF-style: chr11-47349851-T-A. GRCh37 (hg19) VCF-style: chr11-47371402-T-A.
Other names: short protein forms K193*.
Identifiers: ClinVar variation 3230890 (VCV003230890.1), dbSNP rs2495780602, ClinGen allele CA380337762.
Genomic context (GRCh38, chr11:47,349,851, plus strand): 5'-AGCTGTCGTGCAGCTGCAGGTGCTGGCCCACCTTGCTGCTCAGGTCCACCCATTTGCCCT[T>A]GAACCACTTGACCACAGGCGGCTTCAGGAGGCTGGCGCCGGCCACGCGGGCTGAGAAGGT-3'

ClinVar aggregate classification (germline): Pathogenic (1 of 4 stars; one submission).

Conditions:
Cardiovascular phenotype. Identifiers: MedGen CN230736.

Submission:

Ambry Genetics
Classification: Pathogenic for Cardiovascular phenotype. Last evaluated: 2023-11-22. Review status: criteria provided, single submitter. Criteria: Ambry Variant Classification Scheme 2023. Collection method: clinical testing. Allele origin: germline.
Comment: The p.K193* pathogenic mutation (also known as c.577A>T), located in coding exon 5 of the MYBPC3 gene, results from an A to T substitution at nucleotide position 577. This changes the amino acid from a lysine to a stop codon within coding exon 5. This variant is considered to be rare based on population cohorts in the Genome Aggregation Database (gnomAD). This alteration is expected to result in loss of function by premature protein truncation or nonsense-mediated mRNA decay. As such, this alteration is interpreted as a disease-causing mutation.